The following is an entry in ClinVar:

NM_002500.5(NEUROD1):c.767T>A (p.Phe256Tyr)

Gene: NEUROD1 (neuronal differentiation 1; minus strand). Cytogenetic location: 2q31.3.
Variant type: single nucleotide variant.
Coding change: c.767T>A on transcript NM_002500.5 (MANE Select); coding-DNA position 767, T replaced by A.
Protein change: p.Phe256Tyr; replaces phenylalanine 256 with tyrosine.
Molecular consequence: missense variant.
Genome position (GRCh38, 1-based): chr2:181,678,094, A>T on the plus strand (T>A on the coding strand, the complement: NEUROD1 is on the minus strand). VCF-style: chr2-181678094-A-T. GRCh37 (hg19) VCF-style: chr2-182542821-A-T.
Other names: short protein forms F256Y.
Identifiers: ClinVar variation 1448929 (VCV001448929.6), dbSNP rs1190053153, ClinGen allele CA349783022.

ClinVar aggregate classification (germline): Uncertain significance (1 of 4 stars; one submission).

Submission:

Labcorp Genetics (formerly Invitae), Labcorp
Classification: Uncertain significance. Last evaluated: 2021-11-23. Review status: criteria provided, single submitter. Criteria: Invitae Variant Classification Sherloc (09022015). Collection method: clinical testing. Allele origin: germline.
Comment: In summary, the available evidence is currently insufficient to determine the role of this variant in disease. Therefore, it has been classified as a Variant of Uncertain Significance. Algorithms developed to predict the effect of missense changes on protein structure and function are either unavailable or do not agree on the potential impact of this missense change (SIFT: "Deleterious"; PolyPhen-2: "Possibly Damaging"; Align-GVGD: "Class C15"). This variant has not been reported in the literature in individuals affected with NEUROD1-related conditions. This variant is not present in population databases (gnomAD no frequency). This sequence change replaces phenylalanine, which is neutral and non-polar, with tyrosine, which is neutral and polar, at codon 256 of the NEUROD1 protein (p.Phe256Tyr).